The following is an entry in ClinVar:

ClinVar aggregate classification (germline): Uncertain significance (1 of 4 stars; one submission).

Conditions:
Congenital hyperammonemia, type I. Also called: Carbamoyl phosphate synthetase 1 deficiency; Hyperammonemia due to carbamoyl phosphate synthetase 1 deficiency; CPS 1 deficiency; Carbamyl phosphate synthetase (CPS) deficiency; CPS I DEFICIENCY; Carbamoyl phosphate synthetase I deficiency disease. Identifiers: Orphanet 147, MedGen C4082171, MONDO:0009376, OMIM 237300.

Submission:

Labcorp Genetics (formerly Invitae), Labcorp
Classification: Uncertain significance for Congenital hyperammonemia, type I. Last evaluated: 2021-12-02. Review status: criteria provided, single submitter. Criteria: Invitae Variant Classification Sherloc (09022015). Collection method: clinical testing. Allele origin: germline.
Comment: In summary, the available evidence is currently insufficient to determine the role of this variant in disease. Therefore, it has been classified as a Variant of Uncertain Significance. Algorithms developed to predict the effect of missense changes on protein structure and function (SIFT, PolyPhen-2, Align-GVGD) all suggest that this variant is likely to be tolerated. This variant has not been reported in the literature in individuals affected with CPS1-related conditions. This variant is not present in population databases (gnomAD no frequency). This sequence change replaces serine, which is neutral and polar, with arginine, which is basic and polar, at codon 1079 of the CPS1 protein (p.Ser1079Arg).

NM_001875.5(CPS1):c.3237C>G (p.Ser1079Arg)

Gene: CPS1 (carbamoyl-phosphate synthase 1; plus strand). Cytogenetic location: 2q34.
Variant type: single nucleotide variant.
Coding change: c.3237C>G on transcript NM_001875.5 (MANE Select); coding-DNA position 3237, C replaced by G.
Protein change: p.Ser1079Arg; replaces serine 1079 with arginine.
Molecular consequence: missense variant. On other transcripts: non-coding transcript variant (2).
Genome position (GRCh38, 1-based): chr2:210,647,958, C>G. VCF-style: chr2-210647958-C-G. GRCh37 (hg19) VCF-style: chr2-211512682-C-G.
Other names: c.3237C>G, p.Ser1079Arg (NM_001122633.3, NM_001369257.1); c.3270C>G, p.Ser1090Arg (NM_001369256.1); short protein forms S1079R, S1090R.
Identifiers: ClinVar variation 1406858 (VCV001406858.6), dbSNP rs889511224, ClinGen allele CA350436053.